The following is an entry in ClinVar:

NM_001394062.1(MACF1):c.5681C>T (p.Thr1894Ile)

Gene: MACF1 (microtubule actin crosslinking factor 1; plus strand). Cytogenetic location: 1p34.3.
Variant type: single nucleotide variant.
Coding change: c.5681C>T on transcript NM_001394062.1 (MANE Select); coding-DNA position 5681, C replaced by T.
Protein change: p.Thr1894Ile; replaces threonine 1894 with isoleucine.
Molecular consequence: missense variant. On other transcripts: intron variant (1).
Genome position (GRCh38, 1-based): chr1:39,332,269, C>T. VCF-style: chr1-39332269-C-T. GRCh37 (hg19) VCF-style: chr1-39797941-C-T.
Other names: c.4629+4916C>T (NM_012090.5); short protein forms T1894I.
Identifiers: ClinVar variation 3778469 (VCV003778469.7).

ClinVar aggregate classification (germline): Uncertain significance (1 of 4 stars; one submission).

Submission:

CeGaT Center for Human Genetics Tuebingen
Classification: Uncertain significance. Last evaluated: 2025-03-01. Review status: criteria provided, single submitter. Criteria: CeGaT Center For Human Genetics Tuebingen Variant Classification Criteria Version 2. Collection method: clinical testing. Allele origin: germline. Affected: yes. Observed: 1 variant allele.
Comment: MACF1: PM2, BP4